The following is an entry in ClinVar:

ClinVar aggregate classification (germline): Pathogenic (1 of 4 stars; one submission).

Conditions:
3-Methylglutaconic aciduria type 2 (BTHS). Also called: CARDIOSKELETAL MYOPATHY WITH NEUTROPENIA AND ABNORMAL MITOCHONDRIA; Barth syndrome. Identifiers: Orphanet 111, MedGen C0574083, MONDO:0010543, OMIM 302060.

Submission:

Labcorp Genetics (formerly Invitae), Labcorp
Classification: Pathogenic for 3-Methylglutaconic aciduria type 2. Last evaluated: 2022-01-05. Review status: criteria provided, single submitter. Criteria: Invitae Variant Classification Sherloc (09022015). Collection method: clinical testing. Allele origin: germline.
Comment: For these reasons, this variant has been classified as Pathogenic. This variant is also known as c.238+1del. This variant has not been reported in the literature in individuals affected with TAZ-related conditions. This variant is not present in population databases (gnomAD no frequency). This sequence change creates a premature translational stop signal (p.Ile81Serfs*2) in the TAZ gene. It is expected to result in an absent or disrupted protein product. Loss-of-function variants in TAZ are known to be pathogenic (PMID: 16427346, 22382802, 23409742).

Literature cited by the submitters: PubMed 16427346; PubMed 22382802; PubMed 23409742.

NM_000116.5(TAFAZZIN):c.238+1del

Gene: TAFAZZIN (tafazzin, phospholipid-lysophospholipid transacylase; plus strand). Cytogenetic location: Xq28.
Variant type: Deletion.
Coding change: c.238+1del on transcript NM_000116.5 (MANE Select); the canonical splice donor site of the intron after coding-DNA position 238, one base deleted (G; older notation c.238+1delG).
Molecular consequence: splice donor variant.
Genome position (GRCh38, 1-based): chrX:154,412,215, G deleted; the last of 4 consecutive G bases (chrX:154,412,212-154,412,215); deleting any one gives the same sequence. VCF-style (leftmost placement, unchanged base first): chrX-154412211-TG-T. GRCh37 (hg19) VCF-style: chrX-153640548-TG-T.
Other names: c.292+1del (NM_001303465.2, NM_001410698.1); c.238+1del (NM_181312.4, NM_181311.4, NM_181313.4).
Identifiers: ClinVar variation 1966105 (VCV001966105.5), dbSNP rs2522925422, ClinGen allele CA2580101735.